The following is an entry in ClinVar:

NM_002528.7(NTHL1):c.682A>G (p.Ile228Val)

Gene: NTHL1 (nth like DNA glycosylase 1; minus strand). Cytogenetic location: 16p13.3.
Variant type: single nucleotide variant.
Coding change: c.682A>G on transcript NM_002528.7 (MANE Select); coding-DNA position 682, A replaced by G.
Protein change: p.Ile228Val; replaces isoleucine 228 with valine.
Molecular consequence: missense variant.
Genome position (GRCh38, 1-based): chr16:2,043,570, T>C on the plus strand (A>G on the coding strand, the complement: NTHL1 is on the minus strand). VCF-style: chr16-2043570-T-C. GRCh37 (hg19) VCF-style: chr16-2093571-T-C.
Other names: c.682A>G, p.Ile228Val (LRG_1366t1); c.511A>G, p.Ile171Val (NM_001318193.2); c.352A>G, p.Ile118Val (NM_001318194.2); c.706A>G (NM_002528.5); short protein forms I118V, I171V, I228V.
Identifiers: ClinVar variation 658893 (VCV000658893.8), dbSNP rs1596219234, ClinGen allele CA394290797.

ClinVar aggregate classification (germline): Uncertain significance. Review status: criteria provided, multiple submitters, no conflicts (2 of 4 stars). 2 submissions from 2 submitters: Uncertain significance (2). Last evaluated 2026-05-16.

Conditions:
Hereditary cancer-predisposing syndrome. Also called: Tumor predisposition; Hereditary Cancer Syndrome; Neoplastic Syndromes, Hereditary; Hereditary neoplastic syndrome. Identifiers: Orphanet 140162, MedGen C0027672, MeSH D009386, MONDO:0015356.

Submissions (2):

Ambry Genetics
Classification: Uncertain significance for Hereditary cancer-predisposing syndrome. Last evaluated: 2026-05-16. Review status: criteria provided, single submitter. Criteria: Ambry Variant Classification Scheme 2023. Collection method: clinical testing. Allele origin: germline.
Comment: The p.I236V variant (also known as c.706A>G), located in coding exon 4 of the NTHL1 gene, results from an A to G substitution at nucleotide position 706. The isoleucine at codon 236 is replaced by valine, an amino acid with highly similar properties. This amino acid position is conserved. In addition, the in silico prediction for this alteration is inconclusive. Based on the available evidence, the clinical significance of this variant remains unclear.

Labcorp Genetics (formerly Invitae), Labcorp
Classification: Uncertain significance. Last evaluated: 2018-12-11. Review status: criteria provided, single submitter. Criteria: Invitae Variant Classification Sherloc (09022015). Collection method: clinical testing. Allele origin: germline.
Comment: In summary, the available evidence is currently insufficient to determine the role of this variant in disease. Therefore, it has been classified as a Variant of Uncertain Significance. Algorithms developed to predict the effect of missense changes on protein structure and function (SIFT, PolyPhen-2, Align-GVGD) all suggest that this variant is likely to be disruptive, but these predictions have not been confirmed by published functional studies and their clinical significance is uncertain. This variant has not been reported in the literature in individuals with NTHL1-related conditions. This variant is not present in population databases (ExAC no frequency). This sequence change replaces isoleucine with valine at codon 236 of the NTHL1 protein (p.Ile236Val). The isoleucine residue is highly conserved and there is a small physicochemical difference between isoleucine and valine.